The following is an entry in ClinVar:

NM_000277.3(PAH):c.707-536T>G

Gene: PAH (phenylalanine hydroxylase; minus strand). Cytogenetic location: 12q23.2.
Variant type: single nucleotide variant.
Coding change: c.707-536T>G on transcript NM_000277.3 (MANE Select); 536 bases into the intron before coding-DNA position 707, T replaced by G.
Molecular consequence: intron variant.
Genome position (GRCh38, 1-based): chr12:102,853,486, A>C on the plus strand (T>G on the coding strand, the complement: PAH is on the minus strand). VCF-style: chr12-102853486-A-C. GRCh37 (hg19) VCF-style: chr12-103247264-A-C.
Other names: c.707-536T>G (NM_001354304.2).
Identifiers: ClinVar variation 4993213 (VCV004993213.1).

ClinVar aggregate classification (germline): Uncertain significance (1 of 4 stars; one submission).

Conditions:
PAH-related disorder. Also called: PAH-related condition.

Submission:

PreventionGenetics, part of Exact Sciences
Classification: Uncertain significance for PAH-related condition. Last evaluated: 2026-01-30. Review status: criteria provided, single submitter. Criteria: ACMG Guidelines, 2015. Collection method: clinical testing. Allele origin: germline.
Comment: The PAH c.707-536T>G variant is predicted to interfere with splicing. This variant is predicted to alter splicing based on available splicing prediction programs (SpliceAI, Jaganathan et al. 2019. PubMed ID: 30661751). However, the use of computer prediction programs is not equivalent to functional evidence. To our knowledge, this variant has not been reported in the literature. Additionally, this variant has not been reported in a large population database (gnomAD) although it should be noted that there is limited sequence coverage at this location and therefore this information should be interpreted with caution. At this time, the clinical significance of this variant is uncertain due to the absence of conclusive functional and genetic evidence.